The following is an entry in ClinVar:

ClinVar aggregate classification (germline): Uncertain significance (1 of 4 stars; one submission).

Allele frequency attached by ClinVar (database versions not stated): gnomAD exomes below 0.00001 and 0.00001; ExAC 0.00001.
gnomAD v4.1: 2 of 1,599,466 alleles (0.00013%); highest among the groups gnomAD compares: East Asian, 0.0045%; no homozygotes.

Submission:

Labcorp Genetics (formerly Invitae), Labcorp
Classification: Uncertain significance. Last evaluated: 2020-12-24. Review status: criteria provided, single submitter. Criteria: Invitae Variant Classification Sherloc (09022015). Collection method: clinical testing. Allele origin: germline.
Comment: This sequence change replaces glycine with arginine at codon 4993 of the PCLO protein (p.Gly4993Arg). The glycine residue is weakly conserved and there is a moderate physicochemical difference between glycine and arginine. In summary, the available evidence is currently insufficient to determine the role of this variant in disease. Therefore, it has been classified as a Variant of Uncertain Significance. Algorithms developed to predict the effect of missense changes on protein structure and function are either unavailable or do not agree on the potential impact of this missense change (SIFT: "Deleterious"; PolyPhen-2: "Not Available"; Align-GVGD: "Class C0"). This variant has not been reported in the literature in individuals with PCLO-related conditions. This variant is present in population databases (rs745347705, ExAC 0.01%).

NM_033026.6(PCLO):c.14977G>A (p.Gly4993Arg)

Gene: PCLO (piccolo presynaptic cytomatrix protein; minus strand). Cytogenetic location: 7q21.11.
Variant type: single nucleotide variant.
Coding change: c.14977G>A on transcript NM_033026.6 (MANE Select); coding-DNA position 14977, G replaced by A.
Protein change: p.Gly4993Arg; replaces glycine 4993 with arginine.
Molecular consequence: missense variant.
Genome position (GRCh38, 1-based): chr7:82,801,548, C>T on the plus strand (G>A on the coding strand, the complement: PCLO is on the minus strand). VCF-style: chr7-82801548-C-T. GRCh37 (hg19) VCF-style: chr7-82430864-C-T.
Other names: short protein forms G4993R.
Identifiers: ClinVar variation 1497053 (VCV001497053.8), dbSNP rs745347705, ClinGen allele CA4318657.